The following is an entry in ClinVar:

ClinVar aggregate classification (germline): Uncertain significance (1 of 4 stars; one submission).

gnomAD v4.1: 1 of 1,607,678 alleles (0.000062%); highest among the groups gnomAD compares: Non-Finnish European, 0.000085%; no homozygotes.

Submission:

Greenwood Genetic Center Diagnostic Laboratories, Greenwood Genetic Center
Classification: Uncertain significance. Last evaluated: 2022-07-26. Review status: criteria provided, single submitter. Criteria: ACMG Guidelines, 2015. Collection method: clinical testing. Allele origin: germline. Affected: yes.
Comment: PM2, PP2, PP3

NM_003070.5(SMARCA2):c.2376T>A (p.Phe792Leu)

Gene: SMARCA2 (SWI/SNF related BAF chromatin remodeling complex subunit ATPase 2; plus strand). Cytogenetic location: 9p24.3.
Variant type: single nucleotide variant.
Coding change: c.2376T>A on transcript NM_003070.5 (MANE Select); coding-DNA position 2376, T replaced by A.
Protein change: p.Phe792Leu; replaces phenylalanine 792 with leucine.
Molecular consequence: missense variant.
Genome position (GRCh38, 1-based): chr9:2,083,374, T>A. VCF-style: chr9-2083374-T-A. GRCh37 (hg19) VCF-style: chr9-2083374-T-A.
Other names: c.2376T>A, p.Phe792Leu (NM_001289396.2, NM_001289397.2, NM_139045.4); short protein forms F792L.
Identifiers: ClinVar variation 1710457 (VCV001710457.3), dbSNP rs2537336102, ClinGen allele CA372784423.